The following is an entry in ClinVar:

ClinVar aggregate classification (germline): Uncertain significance (1 of 4 stars; one submission).

Conditions:
Encephalopathy, acute, infection-induced (herpes-specific), susceptibility to, 1. Also called: Herpes simplex encephalitis, susceptibility to, 1. Identifiers: Orphanet 1930, MedGen C2750180, MONDO:0024563, OMIM 610551.

Allele frequency attached by ClinVar (database versions not stated): gnomAD exomes 0.00001; TOPMed 0.00001; gnomAD 0.00001.
gnomAD v4.1: 22 of 1,613,936 alleles (0.0014%); highest among the groups gnomAD compares: Non-Finnish European, 0.0018%; no homozygotes.

Submission:

Labcorp Genetics (formerly Invitae), Labcorp
Classification: Uncertain significance for Encephalopathy, acute, infection-induced (herpes-specific), susceptibility to, 1. Last evaluated: 2022-02-04. Review status: criteria provided, single submitter. Criteria: Invitae Variant Classification Sherloc (09022015). Collection method: clinical testing. Allele origin: germline.
Comment: In summary, the available evidence is currently insufficient to determine the role of this variant in disease. Therefore, it has been classified as a Variant of Uncertain Significance. Algorithms developed to predict the effect of missense changes on protein structure and function output the following: SIFT: "Tolerated"; PolyPhen-2: "Benign"; Align-GVGD: "Class C0". The arginine amino acid residue is found in multiple mammalian species, which suggests that this missense change does not adversely affect protein function. ClinVar contains an entry for this variant (Variation ID: 955793). This variant has not been reported in the literature in individuals affected with TLR3-related conditions. This variant is present in population databases (no rsID available, gnomAD 0.007%). This sequence change replaces histidine, which is basic and polar, with arginine, which is basic and polar, at codon 156 of the TLR3 protein (p.His156Arg).

NM_003265.3(TLR3):c.467A>G (p.His156Arg)

Gene: TLR3 (toll like receptor 3; plus strand). Cytogenetic location: 4q35.1.
Variant type: single nucleotide variant.
Coding change: c.467A>G on transcript NM_003265.3 (MANE Select); coding-DNA position 467, A replaced by G.
Protein change: p.His156Arg; replaces histidine 156 with arginine.
Molecular consequence: missense variant.
Genome position (GRCh38, 1-based): chr4:186,078,865, A>G. VCF-style: chr4-186078865-A-G. GRCh37 (hg19) VCF-style: chr4-187000019-A-G.
Other names: short protein forms H156R.
Identifiers: ClinVar variation 955793 (VCV000955793.10), dbSNP rs1248928733, ClinGen allele CA359108123.